The following is an entry in ClinVar:

ClinVar aggregate classification (germline): Benign/Likely benign. Review status: criteria provided, multiple submitters, no conflicts (2 of 4 stars). 6 submissions from 6 submitters: Benign (1); Likely benign (4). 1 of the submissions does not count toward it. Last evaluated 2026-01-26.

Conditions:
FH-related disorder. Also called: FH-related disorders; FH-related condition.
Hereditary cancer-predisposing syndrome. Also called: Tumor predisposition; Neoplastic Syndromes, Hereditary; Hereditary neoplastic syndrome; Hereditary Cancer Syndrome. Identifiers: Orphanet 140162, MedGen C0027672, MeSH D009386, MONDO:0015356.
Hereditary leiomyomatosis and renal cell cancer. Also called: LEIOMYOMA, MULTIPLE CUTANEOUS; MULTIPLE CUTANEOUS AND UTERINE LEIOMYOMATA 1, WITH OR WITHOUT RENAL CELL CARCINOMA; Reed syndrome; Multiple cutaneous and uterine leiomyomatosis; Cutaneous leiomyomata with uterine leiomyomata; Leiomyoma, hereditary multiple, of skin. Identifiers: Orphanet 523, MedGen C1708350, MONDO:0007888, OMIM 150800, HP:0007437. Disease mechanism: loss of function.

Allele frequency attached by ClinVar (database versions not stated): gnomAD 0.00001; TOPMed 0.00001; ExAC 0.00002; gnomAD exomes 0.00002; ESP Exome Variant Server 0.00008.
gnomAD v4.1: 47 of 1,613,732 alleles (0.0029%); highest among the groups gnomAD compares: Non-Finnish European, 0.0035%; no homozygotes.

Submissions (6):

Labcorp Genetics (formerly Invitae), Labcorp
Classification: Likely benign. Last evaluated: 2026-01-26. Review status: criteria provided, single submitter. Criteria: Invitae Variant Classification Sherloc (09022015). Collection method: clinical testing. Allele origin: germline.

Myriad Genetics, Inc.
Classification: Benign for Hereditary leiomyomatosis and renal cell cancer. Last evaluated: 2024-10-18. Review status: criteria provided, single submitter. Criteria: Myriad Autosomal Dominant, Autosomal Recessive and X-Linked Classification Criteria (2023). Collection method: clinical testing. Allele origin: unknown.
Comment: This variant is considered benign. This variant is a silent/synonymous amino acid change and it is not expected to impact splicing.

Blueprint Genetics
Classification: Likely benign. Last evaluated: 2021-06-04. Review status: criteria provided, single submitter. Criteria: ACMG Guidelines, 2015. Collection method: clinical testing. Allele origin: germline.

Ambry Genetics
Classification: Likely benign for Hereditary cancer-predisposing syndrome. Last evaluated: 2014-11-05. Review status: criteria provided, single submitter. Criteria: Ambry Variant Classification Scheme 2023. Collection method: clinical testing. Allele origin: germline.

Breakthrough Genomics
Classification: Likely benign. Review status: criteria provided, single submitter. Criteria: ACMG Guidelines, 2015. Collection method: not provided. Allele origin: germline. Inheritance: Autosomal recessive inheritance. Affected: yes.

PreventionGenetics, part of Exact Sciences
Classification: Likely benign for FH-related condition. Last evaluated: 2023-03-07. Review status: no assertion criteria provided. Collection method: clinical testing. Allele origin: germline. Not counted in ClinVar's aggregate classification.
Comment: This variant is classified as likely benign based on ACMG/AMP sequence variant interpretation guidelines (Richards et al. 2015 PMID: 25741868, with internal and published modifications).

NM_000143.4(FH):c.534C>T (p.Asn178=)

Gene: FH (fumarate hydratase; minus strand). Cytogenetic location: 1q43.
Variant type: single nucleotide variant.
Coding change: c.534C>T on transcript NM_000143.4 (MANE Select); coding-DNA position 534, C replaced by T.
Protein change: p.Asn178=; no amino-acid change (asparagine 178 retained).
Molecular consequence: synonymous variant.
Genome position (GRCh38, 1-based): chr1:241,511,988, G>A on the plus strand (C>T on the coding strand, the complement: FH is on the minus strand). VCF-style: chr1-241511988-G-A. GRCh37 (hg19) VCF-style: chr1-241675288-G-A.
Identifiers: ClinVar variation 185946 (VCV000185946.19), dbSNP rs375878939, ClinGen allele CA193456.